The following is an entry in ClinVar:

NM_005419.4(STAT2):c.1999C>T (p.Arg667Ter)

Gene: STAT2 (signal transducer and activator of transcription 2; minus strand). Cytogenetic location: 12q13.3.
Variant type: single nucleotide variant.
Coding change: c.1999C>T on transcript NM_005419.4 (MANE Select); coding-DNA position 1999, C replaced by T.
Protein change: p.Arg667Ter; replaces arginine 667 with a stop codon.
Molecular consequence: nonsense.
Genome position (GRCh38, 1-based): chr12:56,346,487, G>A on the plus strand (C>T on the coding strand, the complement: STAT2 is on the minus strand). VCF-style: chr12-56346487-G-A. GRCh37 (hg19) VCF-style: chr12-56740271-G-A.
Other names: c.1966C>T, p.Arg656Ter (NM_001385110.1); c.1900C>T, p.Arg634Ter (NM_001385111.1); c.1999C>T, p.Arg667Ter (NM_001385113.1); c.1978C>T, p.Arg660Ter (NM_001385114.1); c.1957C>T, p.Arg653Ter (NM_001385115.1); c.1987C>T, p.Arg663Ter (NM_198332.2); short protein forms R667*, R663*, R634*, R653*, R656*, R660*.
Identifiers: ClinVar variation 578415 (VCV000578415.9), dbSNP rs1565648608, ClinGen allele CA385259590.
Genomic context (GRCh38, chr12:56,346,487, plus strand): 5'-GTCAACGATTCCCACCTTTCTCCTGGTAGTAGCACCCAAAAGCTTCATCCCGGGGGATTC[G>A]GGGATAGAGGAAGCGCAGTGGGTTTTCAGGTATATTCTCCTCAGTGAGCAACTGGTAATG-3'

ClinVar aggregate classification (germline): Pathogenic/Likely pathogenic. Review status: criteria provided, multiple submitters, no conflicts (2 of 4 stars). 3 submissions from 3 submitters: Pathogenic (1); Likely pathogenic (1). 1 of the submissions does not count toward it. Last evaluated 2025-10-21.

Conditions:
STAT2-related disorder. Also called: STAT2-related condition.
Primary immunodeficiency with post-measles-mumps-rubella vaccine viral infection. Also called: Immunodeficiency 44. Identifiers: Orphanet 431166, MedGen C4225260, MONDO:0014715, OMIM 616636.

Allele frequency attached by ClinVar (database versions not stated): gnomAD exomes below 0.00001.
gnomAD v4.1: 5 of 1,614,056 alleles (0.00031%); highest among the groups gnomAD compares: Admixed American, 0.0033%; no homozygotes.

Submissions (3):

Labcorp Genetics (formerly Invitae), Labcorp
Classification: Pathogenic for Primary immunodeficiency with post-measles-mumps-rubella vaccine viral infection. Last evaluated: 2025-10-21. Review status: criteria provided, single submitter. Criteria: Invitae Variant Classification Sherloc (09022015). Collection method: clinical testing. Allele origin: germline.
Comment: This sequence change creates a premature translational stop signal (p.Arg667*) in the STAT2 gene. It is expected to result in an absent or disrupted protein product. Loss-of-function variants in STAT2 are known to be pathogenic (PMID: 23391734, 26122121). This variant is not present in population databases (gnomAD no frequency). This variant has not been reported in the literature in individuals affected with STAT2-related conditions. ClinVar contains an entry for this variant (Variation ID: 578415). For these reasons, this variant has been classified as Pathogenic.

Blueprint Genetics
Classification: Likely pathogenic for STAT2-related disorders. Last evaluated: 2024-04-29. Review status: criteria provided, single submitter. Criteria: ACMG Guidelines, 2015. Collection method: clinical testing. Allele origin: germline. Affected: yes. Observed: 4 variant alleles.

OMIM
Classification: Pathogenic for IMMUNODEFICIENCY 44. Last evaluated: 2022-09-12. Review status: no assertion criteria provided. Collection method: literature only. Allele origin: germline. Not counted in ClinVar's aggregate classification.

Literature cited by the submitters: PubMed 23391734 (cited by Labcorp Genetics (formerly Invitae), Labcorp); PubMed 26122121 (cited by Labcorp Genetics (formerly Invitae), Labcorp); PubMed 33679716 (cited by OMIM).